The following is an entry in ClinVar:

NM_024642.5(GALNT12):c.632C>A (p.Ala211Asp)

Gene: GALNT12 (polypeptide N-acetylgalactosaminyltransferase 12; plus strand). Cytogenetic location: 9q22.33.
Variant type: single nucleotide variant.
Coding change: c.632C>A on transcript NM_024642.5 (MANE Select); coding-DNA position 632, C replaced by A.
Protein change: p.Ala211Asp; replaces alanine 211 with aspartic acid.
Molecular consequence: missense variant.
Genome position (GRCh38, 1-based): chr9:98,826,842, C>A. VCF-style: chr9-98826842-C-A. GRCh37 (hg19) VCF-style: chr9-101589124-C-A.
Other names: short protein forms A211D.
Identifiers: ClinVar variation 1752885 (VCV001752885.3), dbSNP rs1308828909, ClinGen allele CA374217556.
Genomic context (GRCh38, chr9:98,826,842, plus strand): 5'-TTTCGGGACTGCCCAAGGTGCGCCTGATCCGCGCCAACAAGAGAGAGGGCCTGGTGCGAG[C>A]CCGGCTGCTGGGGGCGTCTGCGGCGAGGGGCGATGTTCTGACCTTCCTGGACTGTCACTG-3'
Protein context (NP_078918.3, residues 201-221): RANKREGLVR[Ala211Asp]RLLGASAARG

ClinVar aggregate classification (germline): Uncertain significance (1 of 4 stars; one submission).

Allele frequency attached by ClinVar (database versions not stated): gnomAD exomes below 0.00001; TOPMed 0.00002.
gnomAD v4.1: 1 of 1,610,282 alleles (0.000062%); highest among the groups gnomAD compares: Non-Finnish European, 0.000085%; no homozygotes.

Submission:

Ambry Genetics
Classification: Uncertain significance. Last evaluated: 2024-08-03. Review status: criteria provided, single submitter. Criteria: Ambry Variant Classification Scheme 2023. Collection method: clinical testing. Allele origin: germline.
Comment: The p.A211D variant (also known as c.632C>A), located in coding exon 3 of the GALNT12 gene, results from a C to A substitution at nucleotide position 632. The alanine at codon 211 is replaced by aspartic acid, an amino acid with dissimilar properties. This amino acid position is highly conserved in available vertebrate species. In addition, this alteration is predicted to be deleterious by in silico analysis. Since supporting evidence is limited at this time, the clinical significance of this alteration remains unclear.